The following continues an entry in ClinVar:

NM_000492.4(CFTR):c.3208C>T (p.Arg1070Trp)

ClinVar aggregate classification (germline): drug response. drug response (1).

Submissions 16 to 23 of 23:

Dubai Health Genomic Medicine Center, Dubai Health
Classification: Pathogenic. Last evaluated: 2020-02-08. Review status: criteria provided, single submitter. Criteria: ACMG Guidelines, 2015. Collection method: clinical testing. Allele origin: germline. Affected: yes. Not counted in ClinVar's aggregate classification.
Comment: The p.Arg1070Trp variant in CFTR has been reported in trans with other pathogenic variants (mainly p.Phe508del) in several individuals affected by milder forms of CFTR-related disorders (congenital bilateral absence of the vas deferens and cystic fibrosis) many of whom had normal to low sweat chloride levels and were pancreatic sufficient7891011121314. This variant has also been identified in 14/282342 (0.005% 0 homozygotes) total alleles in the Genome Aggregation Database (gnomAD). This allele frequency is still low enough to be consistent with a recessive carrier frequency. In vitro functional studies provided evidence that the p.Arg1070Trp variant may impact protein function91315. This variant has been shown to respond to Ivacaftor treatment15. In summary this variant meets our criteria to be classified as pathogenic for milder forms of CF-related disease when in trans with other CF-causing variants. 7. Jézéquel P Dorval I Fergelot P Chauvel B Le Treut A Le Gall JY Le Lannou D Blayau M. Structural analysis of CFTR gene in congenital bilateral absence of vas deferens. Clin Chem. 41(6):833-5. (1995). 8. Feldmann D Couderc R Audrezet MP Ferec C Bienvenu T Desgeorges M Claustres M Mittre H Blayau M Bozon D Malinge MC Monnier N Bonnefont JP Iron A Bieth E Dumur V Clavel C Cazeneuve C Girodon E. CFTR genotypes in patients with normal or borderline sweat chloride levels. Hum Mutat. 22(4):340. (2003). 9. Krasnov KV Tzetis M Cheng J Guggino WB Cutting GR. Localization studies of rare missense mutations in cystic fibrosis transmembrane conductance regulator (CFTR) facilitate interpretation of genotype-phenotype relationships. Hum Mutat. 29(11):1364-72. (2008). 10. Pelletier AL Bienvenu T Rebours V O'Toole D Hentic O Maire F Hammel P Ruszniewski P Lévy P. CFTR gene mutations in patients with apparently idiopathic pancreatitis: lack of phenotype-genotype correlation. Pancreatology. 10(2-3):158-64. (2010). 11. de Prada Merino A Bütschi FN Bouchardy I Beckmann JS Morris MA Hafen GM Fellmann F. [R74WR1070WD1270N]: a new complex allele responsible for cystic fibrosis. J Cyst Fibros. 9(6):447-9. (2010). 12. Steiner B Rosendahl J Witt H Teich N Keim V Schulz HU Pfützer R Löhr M Gress TM Nickel R Landt O Koudova M Macek M Jr Farre A Casals T Desax MC Gallati S Gomez-Lira M Audrezet MP Férec C des Georges M Claustres M Truninger K. Common CFTR haplotypes and susceptibility to chronic pancreatitis and congenital bilateral absence of the vas deferens. Hum Mutat. 32(8):912-20. (2011). 13. Sosnay PR Siklosi KR Van Goor F Kaniecki K Yu H Sharma N Ramalho AS Amaral MD Dorfman R Zielenski J Masica DL Karchin R Millen L Thomas PJ Patrinos GP Corey M Lewis MH Rommens JM Castellani C Penland CM Cutting GR.Defining the disease liability of variants in the cystic fibrosis transmembrane conductance regulator gene. Nat Genet. 2013 Oct45(10):1160-7 (2013). 14. Clinial and functional translation of CFTR. Van Goor F Yu H Burton B Hoffman BJ.Effect of ivacaftor on CFTR forms with missense mutations associated with defects in protein processing or function. J Cyst Fibros. Jan13(1):29-36. (2014). 16. Ong T Marshall SG Karczeski BA et al. Cystic Fibrosis and Congenital Absence of the Vas Deferens. 2001 Mar 26 [Updated 2017 Feb 2]. In: Adam MP Ardinger HH Pagon RA et al. editors. GeneReviews® [Internet]. Seattle (WA): University of Washington Seattle 1993-2019. Available from an online resource. 17. den Dunnen J. T. et al. HGVS Recommendations for the Description of Sequence Variants: 2016 Update. Hum. Mutat. 37 564–569 (2016). 18. Richards S. et al. Standards and guidelines for the interpretation of sequence variants: a joint consensus recommendation of the American College of Medical Genetics and Genomics and the Association for Molecular Pathology. Genet. Med. 17 405–24 (2015).

Mendelics
Classification: Pathogenic for Cystic fibrosis. Last evaluated: 2018-11-05. Review status: criteria provided, single submitter. Criteria: Mendelics Assertion Criteria 2017. Collection method: clinical testing. Allele origin: unknown. Affected: yes. Not counted in ClinVar's aggregate classification.

Illumina Laboratory Services, Illumina
Classification: Pathogenic for CFTR-Related Disorders. Last evaluated: 2018-11-02. Review status: criteria provided, single submitter. Criteria: ICSL Variant Classification Criteria 09 May 2019. Collection method: clinical testing. Allele origin: germline. Not counted in ClinVar's aggregate classification.
Comment: The CFTR c.3208C>T (p.Arg1070Trp) missense variant is well described in the literature as a mild or intermediate variant and is reported to have varying clinical consequences including pancreatic sufficient cystic fibrosis (CF) and congenital bilateral absence of the vas deferens (CBAVD). The p.Arg1070Trp variant has been identified in a compound heterozygous state in at least four studies in six individuals with CBAVD (Jezequel et al. 1995; Mickle et al. 2000; Jezequel et al. 2000; Steiner et al. 2011). The variant has also been reported as part of a complex allele in a compound heterozygous state with a pathogenic splice site variant in a proband with CF (de Prada Merino et al. 2010). Functional studies by Van Goor et al. (2014) demonstrated the p.Arg1070Trp variant resulted in 8% of wild type levels of chloride ion transport. The p.Arg1070Trp variant is reported in the CFTR2 mutation database in a total of 13 alleles (Sosnay et al. 2013), and is described as a "mutation of varying clinical consequence." Incomplete penetrance is documented in association with the p.Arg1070Trp variant; not all individuals who carry this variant along with a second disease-causing CFTR variant in trans will display symptoms of a CFTR-related disorder (CFTR2 2016). Control data are unavailable for this variant, which is reported at a frequency of 0.000125 in the African population of the Genome Aggregation Database. Based on the collective evidence, the p.Arg1070Trp variant is classified as pathogenic for CFTR-related disorders. This variant was observed by ICSL as part of a predisposition screen in an ostensibly healthy population.

CFTR-France
Classification: Pathogenic for cystic fibrosis; CFTR-related disorders. Last evaluated: 2018-01-29. Review status: criteria provided, single submitter. Criteria: Claustres M et al. (Hum Mutat 2017). Collection method: curation. Allele origin: germline. Affected: yes. Not counted in ClinVar's aggregate classification.
Comment: when the variant is in trans with another CF-causing variation, can either result in CF or in a CFTR-RD

Laboratory for Molecular Medicine, Mass General Brigham Personalized Medicine
Classification: Pathogenic for Cystic fibrosis; Congenital bilateral absence of vas deferens. Last evaluated: 2015-05-11. Review status: criteria provided, single submitter. Criteria: LMM Criteria. Collection method: clinical testing. Allele origin: germline. Inheritance: Autosomal recessive inheritance. Observed: 1 variant allele. Not counted in ClinVar's aggregate classification.
Comment: The p.Arg1070Trp variant in CFTR has been reported in >20 compound heterozygous individuals (the majority carrying p.Phe508del) primarily affected by milder for ms of CFTR-related disorders (congenital bilateral absence of the vas deferens a nd cystic fibrosis) and more than half of these individuals were reported to hav e normal to low sweat chloride levels (Jezequel 1995, Feldmann 2003, Krasnov 200 8, Pelletier 2010, de Prada Merino 2010, Steiner 2011, Sosnay 2013). In addition , this variant has been identified in 4/66100 of European chromosomes and 1/1034 0 African chromosomes by the Exome Aggregation Consortium (ExAC; dbSNP rs202179988). Although this variant has been seen in the general population, its frequency is low enough to be consistent with a recessiv e carrier frequency. In vitro functional studies provide some evidence that the p.Arg1070Trp variant may impact protein function (Krasnov 2008, Sosnay 2013, Van Goor 2014). However, these types of assays may not accurately represent biologi cal function. In summary, this variant meets our criteria to be classified as pa thogenic for CTFR-related disorders including CBAVD and cystic fibrosis in an au tosomal recessive manner base d upon multiple co-occurrences with pathogenic variants and its low frequency in the general population.

Baylor Genetics
Classification: Pathogenic for Congenital bilateral aplasia of vas deferens from CFTR mutation; Cystic fibrosis. Review status: criteria provided, single submitter. Criteria: ACMG Guidelines, 2015. Collection method: clinical testing. Allele origin: germline. Not counted in ClinVar's aggregate classification.

Genome Diagnostics Laboratory, The Hospital for Sick Children
Classification: Pathogenic for CFTR-related disorders. Last evaluated: 2020-12-22. Review status: no assertion criteria provided. Collection method: clinical testing. Allele origin: germline. Not counted in ClinVar's aggregate classification.

Counsyl
Classification: Likely pathogenic for Cystic fibrosis. Last evaluated: 2018-12-26. Review status: no assertion criteria provided. Collection method: clinical testing. Allele origin: unknown. Not counted in ClinVar's aggregate classification.

Literature cited by the submitters: PubMed 23891399 (cited by 10 submitters); PubMed 7539342 (cited by 5 submitters); PubMed 10923036 (cited by Labcorp Genetics (formerly Invitae), Labcorp and Dasa); PubMed 12167682 (cited by 3 submitters); PubMed 15070876 (cited by Labcorp Genetics (formerly Invitae), Labcorp and Dasa); PubMed 18951463 (cited by 8 submitters); PubMed 18094014 (cited by Natera, Inc.); PubMed 33374015 (cited by Natera, Inc. and Women's Health and Genetics/Laboratory Corporation of America, LabCorp); PubMed 539342 (cited by Dasa); PubMed 10762539 (cited by 5 submitters); PubMed 23974870 (cited by 6 submitters); PubMed 27171515 (cited by 3 submitters); PubMed 27469177 (cited by Ambry Genetics); PubMed 8662892 (cited by Molecular Genetics, Royal Melbourne Hospital and Counsyl); PubMed 20880762 (cited by 5 submitters); PubMed 31268981 (cited by Molecular Genetics, Royal Melbourne Hospital); PubMed 12815607 (cited by Women's Health and Genetics/Laboratory Corporation of America, LabCorp); PubMed 8530001 (cited by Women's Health and Genetics/Laboratory Corporation of America, LabCorp); PubMed 17331079 (cited by Women's Health and Genetics/Laboratory Corporation of America, LabCorp); PubMed 12955726 (cited by Women's Health and Genetics/Laboratory Corporation of America, LabCorp and Laboratory for Molecular Medicine, Mass General Brigham Personalized Medicine); PubMed 16189704 (cited by Women's Health and Genetics/Laboratory Corporation of America, LabCorp); PubMed 20460946 (cited by 3 submitters); PubMed 20837875 (cited by Women's Health and Genetics/Laboratory Corporation of America, LabCorp); PubMed 21520337 (cited by 4 submitters); PubMed 26014425 (cited by Women's Health and Genetics/Laboratory Corporation of America, LabCorp and Quest Diagnostics Nichols Institute San Juan Capistrano); PubMed 28800122 (cited by Women's Health and Genetics/Laboratory Corporation of America, LabCorp and Quest Diagnostics Nichols Institute San Juan Capistrano); PubMed 28603918 (cited by Women's Health and Genetics/Laboratory Corporation of America, LabCorp and Quest Diagnostics Nichols Institute San Juan Capistrano); PubMed 30873022 (cited by Women's Health and Genetics/Laboratory Corporation of America, LabCorp and Quest Diagnostics Nichols Institute San Juan Capistrano); PubMed 26708955 (cited by Quest Diagnostics Nichols Institute San Juan Capistrano and Counsyl); PubMed 25087612 (cited by Quest Diagnostics Nichols Institute San Juan Capistrano and Laboratory for Molecular Medicine, Mass General Brigham Personalized Medicine); PubMed 31328366 (cited by Quest Diagnostics Nichols Institute San Juan Capistrano); PubMed 32628927 (cited by Quest Diagnostics Nichols Institute San Juan Capistrano); PubMed 32630527 (cited by Quest Diagnostics Nichols Institute San Juan Capistrano); PubMed 20667826 (cited by Quest Diagnostics Nichols Institute San Juan Capistrano); PubMed 30022950 (cited by Quest Diagnostics Nichols Institute San Juan Capistrano); PubMed 31036917 (cited by Quest Diagnostics Nichols Institute San Juan Capistrano); PubMed 21228398 (cited by Quest Diagnostics Nichols Institute San Juan Capistrano and Laboratory for Molecular Medicine, Mass General Brigham Personalized Medicine); PubMed 32934006 (cited by Quest Diagnostics Nichols Institute San Juan Capistrano); PubMed 29318594 (cited by Quest Diagnostics Nichols Institute San Juan Capistrano); PubMed 11101688 (cited by Illumina Laboratory Services, Illumina).